The following is an entry in ClinVar:

ClinVar aggregate classification (germline): Uncertain significance. Review status: criteria provided, multiple submitters, no conflicts (2 of 4 stars). 2 submissions from 2 submitters: Uncertain significance (2). Last evaluated 2024-10-29.

Conditions:
Inborn genetic diseases. Identifiers: MedGen C0950123, MeSH D030342.

Submissions (2):

Ambry Genetics
Classification: Uncertain significance for Inborn genetic diseases. Last evaluated: 2024-10-29. Review status: criteria provided, single submitter. Criteria: Ambry Variant Classification Scheme 2023. Collection method: clinical testing. Allele origin: germline.

GeneDx
Classification: Uncertain significance. Last evaluated: 2024-03-11. Review status: criteria provided, single submitter. Criteria: GeneDx Variant Classification Process June 2021. Collection method: clinical testing. Allele origin: germline. Affected: yes.
Comment: Not observed at significant frequency in large population cohorts (gnomAD); In silico analysis supports that this missense variant has a deleterious effect on protein structure/function; Has not been previously published as pathogenic or benign to our knowledge

NM_138576.4(BCL11B):c.2314A>C (p.Ser772Arg)

Gene: BCL11B (BCL11 transcription factor B; minus strand). Cytogenetic location: 14q32.2.
Variant type: single nucleotide variant.
Coding change: c.2314A>C on transcript NM_138576.4 (MANE Select); coding-DNA position 2314, A replaced by C.
Protein change: p.Ser772Arg; replaces serine 772 with arginine.
Molecular consequence: missense variant.
Genome position (GRCh38, 1-based): chr14:99,174,522, T>G on the plus strand (A>C on the coding strand, the complement: BCL11B is on the minus strand). VCF-style: chr14-99174522-T-G. GRCh37 (hg19) VCF-style: chr14-99640859-T-G.
Other names: c.2311A>C, p.Ser771Arg (NM_001282237.2); c.2098A>C, p.Ser700Arg (NM_001282238.2); c.2101A>C, p.Ser701Arg (NM_022898.3); c.2314A>C (NM_138576.2); short protein forms S700R, S701R, S771R, S772R.
Identifiers: ClinVar variation 3370839 (VCV003370839.2).